The following is an entry in ClinVar:

ClinVar aggregate classification (germline): Likely benign. Review status: criteria provided, multiple submitters, no conflicts (2 of 4 stars). 3 submissions from 3 submitters: Likely benign (3). Last evaluated 2024-09-12.

Conditions:
Hereditary cancer-predisposing syndrome. Also called: Hereditary neoplastic syndrome; Neoplastic Syndromes, Hereditary; Tumor predisposition; Hereditary Cancer Syndrome. Identifiers: Orphanet 140162, MedGen C0027672, MeSH D009386, MONDO:0015356.
Hereditary diffuse gastric adenocarcinoma (HDGC). Also called: DIFFUSE GASTRIC AND LOBULAR BREAST CANCER SYNDROME. Identifiers: Orphanet 26106, MedGen C1708349, MONDO:0007648, OMIM 137215.

gnomAD v4.1: 1 of 1,614,134 alleles (0.000062%); highest among the groups gnomAD compares: Non-Finnish European, 0.000085%; no homozygotes.

Submissions (3):

Myriad Genetics, Inc.
Classification: Likely benign for Hereditary diffuse gastric adenocarcinoma. Last evaluated: 2024-09-12. Review status: criteria provided, single submitter. Criteria: Myriad Autosomal Dominant, Autosomal Recessive and X-Linked Classification Criteria (2023). Collection method: clinical testing. Allele origin: unknown.
Comment: This variant is considered likely benign. This variant is intronic and is not expected to impact mRNA splicing.

Color Diagnostics, LLC DBA Color Health
Classification: Likely benign for Hereditary cancer-predisposing syndrome. Last evaluated: 2024-04-29. Review status: criteria provided, single submitter. Criteria: ACMG Guidelines, 2015. Collection method: clinical testing. Allele origin: germline.

Labcorp Genetics (formerly Invitae), Labcorp
Classification: Likely benign for Hereditary diffuse gastric adenocarcinoma. Last evaluated: 2023-07-13. Review status: criteria provided, single submitter. Criteria: Invitae Variant Classification Sherloc (09022015). Collection method: clinical testing. Allele origin: germline.

NM_004360.5(CDH1):c.388-7C>T

Gene: CDH1 (cadherin 1; plus strand). Cytogenetic location: 16q22.1.
Variant type: single nucleotide variant.
Coding change: c.388-7C>T on transcript NM_004360.5 (MANE Select); 7 bases into the intron before coding-DNA position 388, C replaced by T.
Molecular consequence: intron variant.
Genome position (GRCh38, 1-based): chr16:68,808,417, C>T. VCF-style: chr16-68808417-C-T. GRCh37 (hg19) VCF-style: chr16-68842320-C-T.
Other names: c.388-7C>T (LRG_301t1, NM_001317184.2); c.-1228-7C>T (NM_001317185.2); c.-1432-7C>T (NM_001317186.2).
Identifiers: ClinVar variation 463780 (VCV000463780.11), dbSNP rs201402744, ClinGen allele CA283296769.